The following is an entry in ClinVar:

NM_001369.3(DNAH5):c.3990_3991insA (p.Leu1331fs)

Genes: DNAH5 (dynein axonemal heavy chain 5; minus strand), DNAH5-AS1 (DNAH5 antisense RNA 1; plus strand). Cytogenetic location: 5p15.2.
Variant type: Insertion.
Coding change: c.3990_3991insA on transcript NM_001369.3 (MANE Select); coding-DNA positions 3990 to 3991, A inserted.
Protein change: p.Leu1331fs; shifts the reading frame from leucine 1331.
Molecular consequence: frameshift variant.
Genome position: GRCh38 VCF-style: chr5-13867836-G-GT. GRCh37 (hg19) VCF-style: chr5-13867945-G-GT.
Other names: short protein forms L1331fs.
Identifiers: ClinVar variation 5010849 (VCV005010849.1).

ClinVar aggregate classification (germline): Pathogenic (1 of 4 stars; one submission).

Conditions:
Primary ciliary dyskinesia 3. Identifiers: Orphanet 244, MedGen C1837618, MONDO:0012085, OMIM 608644.

Submission:

Myriad Genetics, Inc.
Classification: Pathogenic for Primary ciliary dyskinesia 3. Last evaluated: 2024-05-14. Review status: criteria provided, single submitter. Criteria: Myriad Autosomal Dominant, Autosomal Recessive and X-Linked Classification Criteria (2023). Collection method: clinical testing. Allele origin: unknown.
Comment: NM_001369.2(DNAH5):c.3990_3991insA(L1331Tfs*3) is expected to be pathogenic in the context of primary ciliary dyskinesia, DNAH5-related. This variant is predicted to lead to an abnormal or absent protein product due to the creation of a premature termination codon in DNAH5, a gene where loss-of-function variants are known to be pathogenic. Please note: this variant was assessed in the context of healthy population screening.